The following is an entry in ClinVar:

ClinVar aggregate classification (germline): Uncertain significance. Review status: criteria provided, multiple submitters, no conflicts (2 of 4 stars). 3 submissions from 3 submitters: Uncertain significance (3). Last evaluated 2024-10-07.

Conditions:
Progressive familial heart block type IB (PFHB1B). Identifiers: Orphanet 871, MedGen C1970298, MONDO:0011474, OMIM 604559.
Cardiovascular phenotype. Identifiers: MedGen CN230736.

Allele frequency attached by ClinVar (database versions not stated): ExAC 0.00001; gnomAD 0.00002; gnomAD exomes 0.00002; TOPMed 0.00002; ESP Exome Variant Server 0.00008.
gnomAD v4.1: 39 of 1,614,018 alleles (0.0024%); highest among the groups gnomAD compares: Non-Finnish European, 0.0031%; no homozygotes.

Submissions (3):

Labcorp Genetics (formerly Invitae), Labcorp
Classification: Uncertain significance for Progressive familial heart block type IB. Last evaluated: 2024-10-07. Review status: criteria provided, single submitter. Criteria: Invitae Variant Classification Sherloc (09022015). Collection method: clinical testing. Allele origin: germline.
Comment: This sequence change replaces methionine, which is neutral and non-polar, with threonine, which is neutral and polar, at codon 576 of the TRPM4 protein (p.Met576Thr). This variant is present in population databases (rs371269743, gnomAD 0.004%). This variant has not been reported in the literature in individuals affected with TRPM4-related conditions. ClinVar contains an entry for this variant (Variation ID: 894641). An algorithm developed to predict the effect of missense changes on protein structure and function (PolyPhen-2) suggests that this variant is likely to be tolerated. In summary, the available evidence is currently insufficient to determine the role of this variant in disease. Therefore, it has been classified as a Variant of Uncertain Significance.

Ambry Genetics
Classification: Uncertain significance for Cardiovascular phenotype. Last evaluated: 2024-09-22. Review status: criteria provided, single submitter. Criteria: Ambry Variant Classification Scheme 2023. Collection method: clinical testing. Allele origin: germline.
Comment: The p.M576T variant (also known as c.1727T>C), located in coding exon 12 of the TRPM4 gene, results from a T to C substitution at nucleotide position 1727. The methionine at codon 576 is replaced by threonine, an amino acid with similar properties. This amino acid position is poorly conserved in available vertebrate species. In addition, this alteration is predicted to be tolerated by in silico analysis. Since supporting evidence is limited at this time, the clinical significance of this alteration remains unclear.

Illumina Laboratory Services, Illumina
Classification: Uncertain significance for Progressive familial heart block type IB. Last evaluated: 2018-01-13. Review status: criteria provided, single submitter. Criteria: ICSL Variant Classification Criteria 13 December 2019. Collection method: clinical testing. Allele origin: germline.

NM_017636.4(TRPM4):c.1727T>C (p.Met576Thr)

Gene: TRPM4 (transient receptor potential cation channel subfamily M member 4; plus strand). Cytogenetic location: 19q13.33.
Variant type: single nucleotide variant.
Coding change: c.1727T>C on transcript NM_017636.4 (MANE Select); coding-DNA position 1727, T replaced by C.
Protein change: p.Met576Thr; replaces methionine 576 with threonine.
Molecular consequence: missense variant.
Genome position (GRCh38, 1-based): chr19:49,183,196, T>C. VCF-style: chr19-49183196-T-C. GRCh37 (hg19) VCF-style: chr19-49686453-T-C.
Other names: c.1727T>C, p.Met576Thr (NM_001195227.2); c.1382T>C, p.Met461Thr (NM_001321281.2); c.119T>C, p.Met40Thr (NM_001321282.2); c.1205T>C, p.Met402Thr (NM_001321283.2); c.665T>C, p.Met222Thr (NM_001321285.2); short protein forms M402T, M461T, M576T, M40T, M222T.
Identifiers: ClinVar variation 894641 (VCV000894641.10), dbSNP rs371269743, ClinGen allele CA9569284.